The following is an entry in ClinVar:

ClinVar aggregate classification (germline): Conflicting classifications of pathogenicity. Review status: criteria provided, conflicting classifications (1 of 4 stars). 2 submissions from 2 submitters: Uncertain significance (1); Likely benign (1). Last evaluated 2024-09-20.

Conditions:
Neurodevelopmental disorder with poor language and loss of hand skills. Identifiers: MedGen C4693546, MONDO:0060659, OMIM 617903.
Developmental and epileptic encephalopathy, 59. Also called: Early infantile epileptic encephalopathy 59. Identifiers: MedGen C4693550, MONDO:0033368, OMIM 617904.
Epileptic encephalopathy. Identifiers: MedGen C0543888, HP:0200134.

Allele frequency attached by ClinVar (database versions not stated): TOPMed below 0.00001.

Submissions (2):

3billion
Classification: Likely benign for Developmental and epileptic encephalopathy, 59; Neurodevelopmental disorder with poor language and loss of hand skills. Last evaluated: 2024-09-20. Review status: criteria provided, single submitter. Criteria: ACMG Guidelines, 2015. Collection method: clinical testing. Allele origin: germline. Affected: no.
Comment: The variant was identified in at least one patient who was diagnosed with a different variant in another gene and showed no symptoms related to the gene containing the variant in question.

Labcorp Genetics (formerly Invitae), Labcorp
Classification: Uncertain significance for Epileptic encephalopathy. Last evaluated: 2023-11-25. Review status: criteria provided, single submitter. Criteria: Invitae Variant Classification Sherloc (09022015). Collection method: clinical testing. Allele origin: germline.
Comment: This sequence change falls in intron 6 of the GABBR2 gene. It does not directly change the encoded amino acid sequence of the GABBR2 protein. It affects a nucleotide within the consensus splice site. This variant is not present in population databases (gnomAD no frequency). This variant has not been reported in the literature in individuals affected with GABBR2-related conditions. ClinVar contains an entry for this variant (Variation ID: 2004414). Variants that disrupt the consensus splice site are a relatively common cause of aberrant splicing (PMID: 17576681, 9536098). Algorithms developed to predict the effect of sequence changes on RNA splicing suggest that this variant is not likely to affect RNA splicing. In summary, the available evidence is currently insufficient to determine the role of this variant in disease. Therefore, it has been classified as a Variant of Uncertain Significance.

Literature cited by the submitters: PubMed 17576681 (cited by Labcorp Genetics (formerly Invitae), Labcorp); PubMed 9536098 (cited by Labcorp Genetics (formerly Invitae), Labcorp).

NM_005458.8(GABBR2):c.1000-3C>T

Gene: GABBR2 (gamma-aminobutyric acid type B receptor subunit 2; minus strand). Cytogenetic location: 9q22.33.
Variant type: single nucleotide variant.
Coding change: c.1000-3C>T on transcript NM_005458.8 (MANE Select); 3 bases into the intron before coding-DNA position 1000, C replaced by T.
Molecular consequence: intron variant.
Genome position (GRCh38, 1-based): chr9:98,454,220, G>A on the plus strand (C>T on the coding strand, the complement: GABBR2 is on the minus strand). VCF-style: chr9-98454220-G-A. GRCh37 (hg19) VCF-style: chr9-101216502-G-A.
Identifiers: ClinVar variation 2004414 (VCV002004414.5), dbSNP rs1588169651, ClinGen allele CA1866939154.
Genomic context (GRCh38, chr9:98,454,220, plus strand): 5'-TGCTGGGCCCCACGCCTGACCGCTTGTTGTTGTACTCTCTCTCATACTGCTGTGGAGTCT[G>A]GAAAAACAGGGGATTGGGGGAATCCCAAGTTATACTCGGCAGGGACATCAGGTGCCTGAT-3'